The following is an entry in ClinVar:

NM_003737.4(DCHS1):c.7560C>T (p.Tyr2520=)

Gene: DCHS1 (dachsous cadherin-related 1; minus strand). Cytogenetic location: 11p15.4.
Variant type: single nucleotide variant.
Coding change: c.7560C>T on transcript NM_003737.4 (MANE Select); coding-DNA position 7560, C replaced by T.
Protein change: p.Tyr2520=; no amino-acid change (tyrosine 2520 retained).
Molecular consequence: synonymous variant.
Genome position (GRCh38, 1-based): chr11:6,624,116, G>A on the plus strand (C>T on the coding strand, the complement: DCHS1 is on the minus strand). VCF-style: chr11-6624116-G-A. GRCh37 (hg19) VCF-style: chr11-6645347-G-A.
Identifiers: ClinVar variation 3058485 (VCV003058485.4), dbSNP rs1303336429, ClinGen allele CA472924656.

ClinVar aggregate classification (germline): Likely benign. Review status: criteria provided, single submitter (1 of 4 stars). 2 submissions from 2 submitters: Likely benign (1). 1 of the submissions does not count toward it. Last evaluated 2024-11-02.

Conditions:
DCHS1-related disorder. Also called: DCHS1-related condition.

Allele frequency attached by ClinVar (database versions not stated): gnomAD 0.00001.
gnomAD v4.1: 1 of 1,611,640 alleles (0.000062%); highest among the groups gnomAD compares: Admixed American, 0.0017%; no homozygotes.

Submissions (2):

Labcorp Genetics (formerly Invitae), Labcorp
Classification: Likely benign. Last evaluated: 2024-11-02. Review status: criteria provided, single submitter. Criteria: Invitae Variant Classification Sherloc (09022015). Collection method: clinical testing. Allele origin: germline.

PreventionGenetics, part of Exact Sciences
Classification: Likely benign for DCHS1-related condition. Last evaluated: 2019-04-10. Review status: no assertion criteria provided. Collection method: clinical testing. Allele origin: germline. Not counted in ClinVar's aggregate classification.
Comment: This variant is classified as likely benign based on ACMG/AMP sequence variant interpretation guidelines (Richards et al. 2015 PMID: 25741868, with internal and published modifications).